The following is an entry in ClinVar:

NM_022455.5(NSD1):c.2209A>G (p.Thr737Ala)

Gene: NSD1 (nuclear receptor binding SET domain protein 1; plus strand). Cytogenetic location: 5q35.3.
Variant type: single nucleotide variant.
Coding change: c.2209A>G on transcript NM_022455.5 (MANE Select); coding-DNA position 2209, A replaced by G.
Protein change: p.Thr737Ala; replaces threonine 737 with alanine.
Molecular consequence: missense variant.
Genome position (GRCh38, 1-based): chr5:177,210,608, A>G. VCF-style: chr5-177210608-A-G. GRCh37 (hg19) VCF-style: chr5-176637609-A-G.
Other names: c.1789A>G, p.Thr597Ala (NM_001409304.1); c.1456A>G, p.Thr486Ala (NM_001409305.1); c.1336A>G, p.Thr446Ala (NM_001409306.1, NM_001409307.1, NM_001409308.1 and 3 more transcripts); c.2209A>G, p.Thr737Ala (NM_001409301.1, NM_001409302.1, NM_001409303.1); short protein forms T446A, T486A, T597A, T737A.
Identifiers: ClinVar variation 3026279 (VCV003026279.22), dbSNP rs755158787, ClinGen allele CA3577218.

ClinVar aggregate classification (germline): Uncertain significance (1 of 4 stars; one submission).

Allele frequency attached by ClinVar (database versions not stated): gnomAD exomes below 0.00001; ExAC 0.00001.
gnomAD v4.1: 2 of 1,614,064 alleles (0.00012%); highest among the groups gnomAD compares: East Asian, 0.0022%; no homozygotes.

Submission:

CeGaT Center for Human Genetics Tuebingen
Classification: Uncertain significance. Last evaluated: 2024-01-01. Review status: criteria provided, single submitter. Criteria: CeGaT Center For Human Genetics Tuebingen Variant Classification Criteria Version 2. Collection method: clinical testing. Allele origin: germline. Affected: yes. Observed: 1 variant allele.
Comment: NSD1: PM2, BP4